The following is an entry in ClinVar:

ClinVar aggregate classification (germline): Likely benign (1 of 4 stars; one submission).

Allele frequency attached by ClinVar (database versions not stated): 1000 Genomes Project 0.00020; ESP Exome Variant Server 0.00043; 1000 Genomes Project 30x 0.00078; TOPMed 0.00098; gnomAD 0.00108; gnomAD exomes 0.00131; ExAC 0.00138.

Submission:

CeGaT Center for Human Genetics Tuebingen
Classification: Likely benign. Last evaluated: 2022-10-01. Review status: criteria provided, single submitter. Criteria: CeGaT Center For Human Genetics Tuebingen Variant Classification Criteria Version 2. Collection method: clinical testing. Allele origin: germline. Affected: yes. Observed: 1 variant allele.
Comment: ZDHHC2: BP4, BP7

NM_016353.5(ZDHHC2):c.85C>T (p.Leu29=)

Genes: ZDHHC2 (zDHHC palmitoyltransferase 2; plus strand), LOC129999929 (ATAC-STARR-seq lymphoblastoid silent region 18960; plus strand). Cytogenetic location: 8p22.
Variant type: single nucleotide variant.
Coding change: c.85C>T on transcript NM_016353.5 (MANE Select); coding-DNA position 85, C replaced by T.
Protein change: p.Leu29=; no amino-acid change (leucine 29 retained).
Molecular consequence: synonymous variant.
Genome position (GRCh38, 1-based): chr8:17,156,808, C>T. VCF-style: chr8-17156808-C-T. GRCh37 (hg19) VCF-style: chr8-17014317-C-T.
Identifiers: ClinVar variation 2658443 (VCV002658443.24), dbSNP rs375504005, ClinGen allele CA4642424.